The following is an entry in ClinVar:

NM_000350.3(ABCA4):c.4540-2A>G

Gene: ABCA4 (ATP binding cassette subfamily A member 4; minus strand). Cytogenetic location: 1p22.1.
Variant type: single nucleotide variant.
Coding change: c.4540-2A>G on transcript NM_000350.3 (MANE Select); the canonical splice acceptor site of the intron before coding-DNA position 4540, A replaced by G.
Molecular consequence: splice acceptor variant.
Genome position (GRCh38, 1-based): chr1:94,025,050, T>C on the plus strand (A>G on the coding strand, the complement: ABCA4 is on the minus strand). VCF-style: chr1-94025050-T-C. GRCh37 (hg19) VCF-style: chr1-94490606-T-C.
Other names: NP_000341.2:p.?.
Identifiers: ClinVar variation 92869 (VCV000092869.58), dbSNP rs61752435, ClinGen allele CA220686.
Genomic context (GRCh38, chr1:94,025,050, plus strand): 5'-AAGTCGGAGATGTTCCTGTCCGTCAGGTCTTGTAGAATTTCCGTGCTGCGCTGTGTTCTC[T>C]GAGGCAATGAGACACCCACGTTAATTACCTTGGAACTTGAGGACTTATAAGTAGTTTGTG-3'

ClinVar aggregate classification (germline): Pathogenic. Review status: criteria provided, multiple submitters, no conflicts (2 of 4 stars). 8 submissions from 8 submitters: Pathogenic (7). 1 of the submissions does not count toward it. Last evaluated 2025-04-26.

Conditions:
ABCA4-related disorder. Also called: ABCA4-related disorders; ABCA4-related condition. Identifiers: MedGen CN239167.
Retinal dystrophy. Also called: Inherited retinal dystrophy. Identifiers: Orphanet 71862, MedGen C0854723, MeSH D058499, MONDO:0019118, HP:0000556.
Cone-rod dystrophy. Also called: Cone-rod degeneration; Cone/cone-rod dystrophy. Identifiers: Orphanet 1872, MedGen C4085590, MONDO:0015993, HP:0000548.

Allele frequency attached by ClinVar (database versions not stated): gnomAD exomes below 0.00001.
gnomAD v4.1: 3 of 1,613,668 alleles (0.00019%); highest among the groups gnomAD compares: Non-Finnish European, 0.00025%; no homozygotes.

Submissions (8):

Labcorp Genetics (formerly Invitae), Labcorp
Classification: Pathogenic. Last evaluated: 2025-04-26. Review status: criteria provided, single submitter. Criteria: Invitae Variant Classification Sherloc (09022015). Collection method: clinical testing. Allele origin: germline.
Comment: This sequence change affects an acceptor splice site in intron 30 of the ABCA4 gene. It is expected to disrupt RNA splicing. Variants that disrupt the donor or acceptor splice site typically lead to a loss of protein function (PMID: 16199547), and loss-of-function variants in ABCA4 are known to be pathogenic (PMID: 10958761, 24938718, 25312043, 26780318). This variant is present in population databases (rs61752435, gnomAD 0.0009%). Disruption of this splice site has been observed in individuals with Stargardt disease (PMID: 24677105, 29925512). ClinVar contains an entry for this variant (Variation ID: 92869). Algorithms developed to predict the effect of sequence changes on RNA splicing suggest that this variant may disrupt the consensus splice site. For these reasons, this variant has been classified as Pathogenic.

Ophthalmic Genetics Group, Institute of Molecular and Clinical Ophthalmology Basel
Classification: Pathogenic for Cone-rod dystrophy. Last evaluated: 2023-07-24. Review status: criteria provided, single submitter. Criteria: ACMG Guidelines, 2015. Collection method: research. Allele origin: germline. Affected: yes. Observed: 1 variant allele.
Comment: Clinical significance based on ACMG v2.0

This variant was classified as Pathogenic based on ACMG criteria: PVS1, PM2, PP5.

Blueprint Genetics
Classification: Pathogenic for ABCA4-related disorders. Last evaluated: 2022-09-14. Review status: criteria provided, single submitter. Criteria: ACMG Guidelines, 2015. Collection method: clinical testing. Allele origin: germline. Affected: yes. Observed: 4 variant alleles.

Institute of Medical Genetics and Applied Genomics, University Hospital Tübingen
Classification: Pathogenic. Last evaluated: 2020-10-23. Review status: criteria provided, single submitter. Criteria: ACMG Guidelines, 2015. Collection method: clinical testing. Allele origin: germline. Inheritance: Unknown mechanism. Affected: yes.

CeGaT Center for Human Genetics Tuebingen
Classification: Pathogenic. Last evaluated: 2016-11-01. Review status: criteria provided, single submitter. Criteria: CeGaT Center For Human Genetics Tuebingen Variant Classification Criteria Version 2. Collection method: clinical testing. Allele origin: germline. Affected: yes. Observed: 1 variant allele.

Institute of Human Genetics, Univ. Regensburg, Univ. Regensburg
Classification: Pathogenic for Retinal dystrophy. Last evaluated: 2016-01-01. Review status: criteria provided, single submitter. Criteria: ACMG Guidelines, 2015. Collection method: clinical testing. Allele origin: germline. Affected: yes.

Eurofins Ntd Llc (ga)
Classification: Pathogenic. Last evaluated: 2013-11-20. Review status: criteria provided, single submitter. Criteria: EGL Classification Definitions 2015. Collection method: clinical testing. Allele origin: germline. Observed: 1 variant allele, 1 heterozygote.

Retina International
No classification provided. Review status: no classification provided. Collection method: not provided. Allele origin: not provided. Not counted in ClinVar's aggregate classification.

Literature cited by the submitters: PubMed 16199547 (cited by Labcorp Genetics (formerly Invitae), Labcorp); PubMed 10958761 (cited by Labcorp Genetics (formerly Invitae), Labcorp); PubMed 24938718 (cited by Labcorp Genetics (formerly Invitae), Labcorp); PubMed 25312043 (cited by Labcorp Genetics (formerly Invitae), Labcorp); PubMed 26780318 (cited by Labcorp Genetics (formerly Invitae), Labcorp); PubMed 24677105 (cited by Labcorp Genetics (formerly Invitae), Labcorp); PubMed 29925512 (cited by Labcorp Genetics (formerly Invitae), Labcorp and Institute of Human Genetics, Univ. Regensburg, Univ. Regensburg); PubMed 36909829 (cited by Ophthalmic Genetics Group, Institute of Molecular and Clinical Ophthalmology Basel); PubMed 14517951 (cited by Institute of Human Genetics, Univ. Regensburg, Univ. Regensburg); PubMed 31964843 (cited by Institute of Human Genetics, Univ. Regensburg, Univ. Regensburg); PubMed 32531858 (cited by Institute of Human Genetics, Univ. Regensburg, Univ. Regensburg).